The following is an entry in ClinVar:

NM_152732.5(RSPH9):c.577C>G (p.Pro193Ala)

Gene: RSPH9 (radial spoke head component 9; plus strand). Cytogenetic location: 6p21.1.
Variant type: single nucleotide variant.
Coding change: c.577C>G on transcript NM_152732.5 (MANE Select); coding-DNA position 577, C replaced by G.
Protein change: p.Pro193Ala; replaces proline 193 with alanine.
Molecular consequence: missense variant. On other transcripts: non-coding transcript variant (2).
Genome position (GRCh38, 1-based): chr6:43,656,630, C>G. VCF-style: chr6-43656630-C-G. GRCh37 (hg19) VCF-style: chr6-43624367-C-G.
Other names: c.532C>G, p.Pro178Ala (NM_001193341.2, NM_001424120.1); c.577C>G, p.Pro193Ala (NM_001424119.1, NM_001424121.1); short protein forms P193A, P178A.
Identifiers: ClinVar variation 410987 (VCV000410987.5), dbSNP rs373236553, ClinGen allele CA3828342.
Genomic context (GRCh38, chr6:43,656,630, plus strand): 5'-TTTCTAGGACTGTCCTTGTCTGAGGCCAAGAAGCTCAGCTCCTACTTCCATTTCAGGGAG[C>G]CTGTTGAGCTAAAGAATAAGACCTTGCTTGAGAAGGCTGACCTGGACCCCTCCCTGGATT-3'
Protein context (NP_689945.2, residues 183-203): KLSSYFHFRE[Pro193Ala]VELKNKTLLE

ClinVar aggregate classification (germline): Uncertain significance (1 of 4 stars; one submission).

Conditions:
Primary ciliary dyskinesia. Also called: Ciliary dyskinesia. Identifiers: Orphanet 244, MedGen C0008780, MONDO:0016575, HP:0012265.

Allele frequency attached by ClinVar (database versions not stated): TOPMed 0.00004.
gnomAD v4.1: 45 of 1,613,998 alleles (0.0028%); highest among the groups gnomAD compares: African/African-American, 0.008%; no homozygotes.

Submission:

Labcorp Genetics (formerly Invitae), Labcorp
Classification: Uncertain significance for Primary ciliary dyskinesia. Last evaluated: 2023-10-13. Review status: criteria provided, single submitter. Criteria: Invitae Variant Classification Sherloc (09022015). Collection method: clinical testing. Allele origin: germline.
Comment: This sequence change replaces proline, which is neutral and non-polar, with alanine, which is neutral and non-polar, at codon 193 of the RSPH9 protein (p.Pro193Ala). This variant is present in population databases (rs373236553, gnomAD 0.01%). This variant has not been reported in the literature in individuals affected with RSPH9-related conditions. ClinVar contains an entry for this variant (Variation ID: 410987). Algorithms developed to predict the effect of missense changes on protein structure and function output the following: SIFT: "Not Available"; PolyPhen-2: "Benign"; Align-GVGD: "Not Available". The alanine amino acid residue is found in multiple mammalian species, which suggests that this missense change does not adversely affect protein function. In summary, the available evidence is currently insufficient to determine the role of this variant in disease. Therefore, it has been classified as a Variant of Uncertain Significance.